The following is an entry in ClinVar:

ClinVar aggregate classification (germline): Conflicting classifications of pathogenicity. Review status: criteria provided, conflicting classifications (1 of 4 stars). 6 submissions from 6 submitters: Uncertain significance (2); Likely benign (3). 1 of the submissions does not count toward it. Last evaluated 2026-01-21.

Conditions:
KIF5A-related disorder. Also called: KIF5A-related condition; KIF5A-related disorders.
Amyotrophic lateral sclerosis, susceptibility to, 25. Identifiers: MedGen C4693609, MONDO:0060670, OMIM 617921.
Spastic paraplegia. Identifiers: MedGen C0037772, HP:0001258.
Hereditary spastic paraplegia 10 (SPG10). Also called: SPASTIC PARAPLEGIA 10, AUTOSOMAL DOMINANT; SPASTIC PARAPLEGIA 10 WITH OR WITHOUT PERIPHERAL NEUROPATHY; SPASTIC PARAPLEGIA 10 WITH PERIPHERAL NEUROPATHY. Identifiers: Orphanet 100991, MedGen C1858712, MONDO:0011408, OMIM 604187.

Allele frequency attached by ClinVar (database versions not stated): gnomAD exomes 0.00004 and 0.00013; ExAC 0.00006; gnomAD 0.00011 and 0.00012; TOPMed 0.00017.

Submissions (6):

Labcorp Genetics (formerly Invitae), Labcorp
Classification: Likely benign for Spastic paraplegia. Last evaluated: 2026-01-21. Review status: criteria provided, single submitter. Criteria: Invitae Variant Classification Sherloc (09022015). Collection method: clinical testing. Allele origin: germline.

Research Center of Medical Experimental Technology, The Third Xiangya Hospital of Central South University
Classification: Uncertain significance for Amyotrophic lateral sclerosis, susceptibility to, 25. Last evaluated: 2025-05-10. Review status: criteria provided, single submitter. Criteria: ACMG Guidelines, 2015. Collection method: clinical testing. Allele origin: germline. Affected: yes.
Comment: The c.1264C>T (p.Arg422Cys) variant is located in exon 12 of the KIF5A gene. This alteration results from a C to T substitution at nucleotide position 1264, causing the arginine (Arg) at amino acid position 422 to be replaced by the cysteine (Cys). This variant is present in population databases (rs748402153, gnomAD 0.0128%). Algorithms developed to predict the effect of missense changes on protein structure and function do not agree on the potential impact of this missense change (SIFT: damaging, PROVEAN: deleterious, PolyPhen-2: probably damaging, CADD: deleterious, MutationTaster: deleterious). This variant has not been reported in the literature in individuals affected with amyotrophic lateral sclerosis. ClinVar contains an entry for this variant (Variation ID: 409668). In summary, the available evidence is currently insufficient to determine the role of this variant in disease. Therefore, it has been classified as a Variant of Uncertain Significance.

Mayo Clinic Laboratories, Mayo Clinic
Classification: Uncertain significance. Last evaluated: 2023-04-03. Review status: criteria provided, single submitter. Criteria: ACMG Guidelines, 2015. Collection method: clinical testing. Allele origin: germline. Observed: 2 variant alleles.
Comment: BS2

Athena Diagnostics
Classification: Likely benign. Last evaluated: 2020-03-24. Review status: criteria provided, single submitter. Criteria: Athena Diagnostics Criteria. Collection method: clinical testing. Allele origin: unknown.

Illumina Laboratory Services, Illumina
Classification: Likely benign for Hereditary spastic paraplegia 10. Last evaluated: 2018-01-12. Review status: criteria provided, single submitter. Criteria: ICSL Variant Classification Criteria 13 December 2019. Collection method: clinical testing. Allele origin: germline.
Comment: This variant was observed in the ICSL laboratory as part of a predisposition screen in an ostensibly healthy population. It had not been previously curated by ICSL or reported in the Human Gene Mutation Database (HGMD: prior to June 1st, 2018), and was therefore a candidate for classification through an automated scoring system. Utilizing variant allele frequency, disease prevalence and penetrance estimates, and inheritance mode, an automated score was calculated to assess if this variant is too frequent to cause the disease. Based on the score and internal cut-off values, a variant classified as likely benign is not then subjected to further curation. The score for this variant resulted in a classification of likely benign for this disease.

PreventionGenetics, part of Exact Sciences
Classification: Likely benign for KIF5A-related condition. Last evaluated: 2022-11-21. Review status: no assertion criteria provided. Collection method: clinical testing. Allele origin: germline. Not counted in ClinVar's aggregate classification.
Comment: This variant is classified as likely benign based on ACMG/AMP sequence variant interpretation guidelines (Richards et al. 2015 PMID: 25741868, with internal and published modifications).

Literature cited by the submitters: PubMed 29892902 (cited by Mayo Clinic Laboratories, Mayo Clinic and Athena Diagnostics); PubMed 39076207 (cited by Mayo Clinic Laboratories, Mayo Clinic).

NM_004984.4(KIF5A):c.1264C>T (p.Arg422Cys)

Gene: KIF5A (kinesin family member 5A; plus strand). Cytogenetic location: 12q13.3.
Variant type: single nucleotide variant.
Coding change: c.1264C>T on transcript NM_004984.4 (MANE Select); coding-DNA position 1264, C replaced by T.
Protein change: p.Arg422Cys; replaces arginine 422 with cysteine.
Molecular consequence: missense variant.
Genome position (GRCh38, 1-based): chr12:57,570,133, C>T. VCF-style: chr12-57570133-C-T. GRCh37 (hg19) VCF-style: chr12-57963916-C-T.
Other names: p.Arg422Cys; NP_004975.2:p.Arg422Cys; c.997C>T, p.Arg333Cys (NM_001354705.2); short protein forms R422C, R333C.
Identifiers: ClinVar variation 409668 (VCV000409668.21), dbSNP rs748402153, ClinGen allele CA6652803.